The following is an entry in ClinVar:

ClinVar aggregate classification (germline): Uncertain significance (1 of 4 stars; one submission).

Submission:

Centre for Mendelian Genomics, University Medical Centre Ljubljana
Classification: Uncertain significance. Last evaluated: 2018-11-02. Review status: criteria provided, single submitter. Criteria: ACMG Guidelines, 2015. Collection method: clinical testing. Allele origin: unknown. Affected: yes.
Comment: This variant was classified as: Uncertain significance. The available evidence on this variant's pathogenicity is insufficient or conflicting. The following ACMG criteria were applied in classifying this variant: PM2.

NC_012920.1(MT-ATP8):m.8408C>T

Gene: MT-ATP8 (mitochondrially encoded ATP synthase 8; plus strand).
Variant type: single nucleotide variant.
Genome position: chrM-8408-C-T.
Identifiers: ClinVar variation 930945 (VCV000930945.3), dbSNP rs2068708846, ClinGen allele CA414795975.
Genomic context (GRCh38, chrMT:8,408, plus strand): 5'-ACACCTCTTTACAGTGAAATGCCCCAACTAAATACTACCGTATGGCCCACCATAATTACC[C>T]CCATACTCCTTACACTATTCCTCATCACCCAACTAAAAATATTAAACACAAACTACCACC-3'